The following is an entry in ClinVar:

NM_015164.4(PLEKHM2):c.1833G>T (p.Met611Ile)

Gene: PLEKHM2 (pleckstrin homology and RUN domain containing M2; plus strand). Cytogenetic location: 1p36.21.
Variant type: single nucleotide variant.
Coding change: c.1833G>T on transcript NM_015164.4 (MANE Select); coding-DNA position 1833, G replaced by T.
Protein change: p.Met611Ile; replaces methionine 611 with isoleucine.
Molecular consequence: missense variant.
Genome position (GRCh38, 1-based): chr1:15,728,269, G>T. VCF-style: chr1-15728269-G-T. GRCh37 (hg19) VCF-style: chr1-16054764-G-T.
Other names: short protein forms M611I.
Identifiers: ClinVar variation 478073 (VCV000478073.8), dbSNP rs758944920, ClinGen allele CA617039.

ClinVar aggregate classification (germline): Uncertain significance (1 of 4 stars; one submission).

Allele frequency attached by ClinVar (database versions not stated): gnomAD exomes below 0.00001; TOPMed below 0.00001; gnomAD 0.00001; ExAC 0.00002.
gnomAD v4.1: 5 of 1,613,186 alleles (0.00031%); highest among the groups gnomAD compares: Non-Finnish European, 0.00042%; no homozygotes.

Submission:

Labcorp Genetics (formerly Invitae), Labcorp
Classification: Uncertain significance. Last evaluated: 2025-01-11. Review status: criteria provided, single submitter. Criteria: Invitae Variant Classification Sherloc (09022015). Collection method: clinical testing. Allele origin: germline.
Comment: This sequence change replaces methionine, which is neutral and non-polar, with isoleucine, which is neutral and non-polar, at codon 611 of the PLEKHM2 protein (p.Met611Ile). This variant is present in population databases (rs758944920, gnomAD 0.002%). This variant has not been reported in the literature in individuals affected with PLEKHM2-related conditions. ClinVar contains an entry for this variant (Variation ID: 478073). An algorithm developed to predict the effect of missense changes on protein structure and function (PolyPhen-2) suggests that this variant is likely to be disruptive. In summary, the available evidence is currently insufficient to determine the role of this variant in disease. Therefore, it has been classified as a Variant of Uncertain Significance.